The following is an entry in ClinVar:

NM_177438.3(DICER1):c.3116C>T (p.Ala1039Val)

Gene: DICER1 (dicer 1, ribonuclease III; minus strand). Cytogenetic location: 14q32.13.
Variant type: single nucleotide variant.
Coding change: c.3116C>T on transcript NM_177438.3 (MANE Select); coding-DNA position 3116, C replaced by T.
Protein change: p.Ala1039Val; replaces alanine 1039 with valine.
Molecular consequence: missense variant. On other transcripts: non-coding transcript variant (6).
Genome position (GRCh38, 1-based): chr14:95,105,224, G>A on the plus strand (C>T on the coding strand, the complement: DICER1 is on the minus strand). VCF-style: chr14-95105224-G-A. GRCh37 (hg19) VCF-style: chr14-95571561-G-A.
Other names: c.3116C>T, p.Ala1039Val (NM_001195573.1, NM_001271282.3, NM_001291628.2 and 13 more transcripts); c.2834C>T, p.Ala945Val (NM_001395686.1); c.2711C>T, p.Ala904Val (NM_001395687.1, NM_001395688.1, NM_001395689.1 and 2 more transcripts); c.2549C>T, p.Ala850Val (NM_001395691.1); c.1433C>T, p.Ala478Val (NM_001395697.1); short protein forms A478V, A850V, A904V, A1039V, A945V.
Identifiers: ClinVar variation 2074234 (VCV002074234.5), dbSNP rs2139988290, ClinGen allele CA390876887.

ClinVar aggregate classification (germline): Uncertain significance. Review status: criteria provided, multiple submitters, no conflicts (2 of 4 stars). 2 submissions from 2 submitters: Uncertain significance (2). Last evaluated 2026-02-16.

Conditions:
DICER1-related tumor predisposition. Also called: DICER1 syndrome; DICER1-related pleuropulmonary blastoma cancer predisposition syndrome. Identifiers: Orphanet 284343, MedGen C3839822, MONDO:0100216.
Hereditary cancer-predisposing syndrome. Also called: Neoplastic Syndromes, Hereditary; Tumor predisposition; Hereditary Cancer Syndrome; Hereditary neoplastic syndrome. Identifiers: Orphanet 140162, MedGen C0027672, MeSH D009386, MONDO:0015356.

Submissions (2):

Ambry Genetics
Classification: Uncertain significance for Hereditary cancer-predisposing syndrome. Last evaluated: 2026-02-16. Review status: criteria provided, single submitter. Criteria: Ambry Variant Classification Scheme 2023. Collection method: clinical testing. Allele origin: germline.
Comment: The p.A1039V variant (also known as c.3116C>T), located in coding exon 19 of the DICER1 gene, results from a C to T substitution at nucleotide position 3116. The alanine at codon 1039 is replaced by valine, an amino acid with similar properties. This amino acid position is conserved. In addition, this alteration is predicted to be tolerated by in silico analysis. Based on the available evidence, the clinical significance of this variant remains unclear.

Labcorp Genetics (formerly Invitae), Labcorp
Classification: Uncertain significance for DICER1-related tumor predisposition. Last evaluated: 2025-04-08. Review status: criteria provided, single submitter. Criteria: Invitae Variant Classification Sherloc (09022015). Collection method: clinical testing. Allele origin: germline.
Comment: This sequence change replaces alanine, which is neutral and non-polar, with valine, which is neutral and non-polar, at codon 1039 of the DICER1 protein (p.Ala1039Val). This variant is not present in population databases (gnomAD no frequency). This variant has not been reported in the literature in individuals affected with DICER1-related conditions. ClinVar contains an entry for this variant (Variation ID: 2074234). Invitae Evidence Modeling of protein sequence and biophysical properties (such as structural, functional, and spatial information, amino acid conservation, physicochemical variation, residue mobility, and thermodynamic stability) indicates that this missense variant is not expected to disrupt DICER1 protein function with a negative predictive value of 95%. In summary, the available evidence is currently insufficient to determine the role of this variant in disease. Therefore, it has been classified as a Variant of Uncertain Significance.